The following is an entry in ClinVar:

ClinVar aggregate classification (germline): Pathogenic (1 of 4 stars; one submission).

Submission:

Labcorp Genetics (formerly Invitae), Labcorp
Classification: Pathogenic. Last evaluated: 2023-08-30. Review status: criteria provided, single submitter. Criteria: Invitae Variant Classification Sherloc (09022015). Collection method: clinical testing. Allele origin: germline.
Comment: For these reasons, this variant has been classified as Pathogenic. This variant has not been reported in the literature in individuals affected with LAMA3-related conditions. This variant is not present in population databases (gnomAD no frequency). This sequence change creates a premature translational stop signal (p.Val1416Cysfs*31) in the LAMA3 gene. It is expected to result in an absent or disrupted protein product. Loss-of-function variants in LAMA3 are known to be pathogenic (PMID: 10366601, 11810295, 12915477, 16473856, 17362460, 22434185, 23869449, 27827380, 28087116).

Literature cited by the submitters: PubMed 10366601; PubMed 11810295; PubMed 12915477; PubMed 16473856; PubMed 17362460; PubMed 22434185; PubMed 23869449; PubMed 27827380; PubMed 28087116.

NM_198129.4(LAMA3):c.9073del (p.Val3025fs)

Gene: LAMA3 (laminin subunit alpha 3; plus strand). Cytogenetic location: 18q11.2.
Variant type: Deletion.
Coding change: c.9073del on transcript NM_198129.4 (MANE Select); coding-DNA position 9073, one base deleted (G; older notation c.9073delG).
Protein change: p.Val3025fs; shifts the reading frame from valine 3025.
Molecular consequence: frameshift variant.
Genome position (GRCh38, 1-based): chr18:23,943,834, G deleted; the last of 2 consecutive G bases (chr18:23,943,833-23,943,834); deleting either gives the same sequence. VCF-style (leftmost placement, unchanged base first): chr18-23943832-TG-T. GRCh37 (hg19) VCF-style: chr18-21523796-TG-T.
Other names: c.4246del, p.Val1416fs (NM_000227.6); c.8905del, p.Val2969fs (NM_001127717.4); c.4078del, p.Val1360fs (NM_001127718.4); short protein forms V2969fs, V1360fs, V3025fs, V1416fs.
Identifiers: ClinVar variation 2756511 (VCV002756511.3), dbSNP rs2511637201, ClinGen allele CA2697555363.
Genomic context (GRCh38, chr18:23,943,832, plus strand): 5'-CCGATGTTCCCAACAGGTCACAGTTTGCTGTGGACATGCAGACAACATCCTCCAGAGGAC[TG>T]GTGTTTCACACGGGCACTAAGAACTCCTTTATGGCTCTTTATCTTTCAAAAGGACGTCTG-3'